The following is an entry in ClinVar:

ClinVar aggregate classification (germline): Likely benign (0 of 4 stars; one submission).

Conditions:
LTBP4-related disorder. Also called: LTBP4-related condition.

Allele frequency attached by ClinVar (database versions not stated): gnomAD exomes below 0.00001.
gnomAD v4.1: 1 of 1,599,656 alleles (0.000063%); highest among the groups gnomAD compares: East Asian, 0.0022%; no homozygotes.

Submission:

PreventionGenetics, part of Exact Sciences
Classification: Likely benign for LTBP4-related condition. Last evaluated: 2023-08-09. Review status: no assertion criteria provided. Collection method: clinical testing. Allele origin: germline.
Comment: This variant is classified as likely benign based on ACMG/AMP sequence variant interpretation guidelines (Richards et al. 2015 PMID: 25741868, with internal and published modifications).

NM_001042545.2(LTBP4):c.2701C>A (p.Arg901=)

Gene: LTBP4 (latent transforming growth factor beta binding protein 4; plus strand). Cytogenetic location: 19q13.2.
Variant type: single nucleotide variant.
Coding change: c.2701C>A on transcript NM_001042545.2 (MANE Select); coding-DNA position 2701, C replaced by A.
Protein change: p.Arg901=; no amino-acid change (arginine 901 retained).
Molecular consequence: synonymous variant.
Genome position (GRCh38, 1-based): chr19:40,614,335, C>A. VCF-style: chr19-40614335-C-A. GRCh37 (hg19) VCF-style: chr19-41120241-C-A.
Other names: c.2902C>A, p.Arg968= (NM_001042544.1); c.2791C>A, p.Arg931= (NM_003573.2).
Identifiers: ClinVar variation 3051980 (VCV003051980.2), dbSNP rs2515368558, ClinGen allele CA507502724.